The following is an entry in ClinVar:

NM_006129.5(BMP1):c.639C>T (p.His213=)

Gene: BMP1 (bone morphogenetic protein 1; plus strand). Cytogenetic location: 8p21.3.
Variant type: single nucleotide variant.
Coding change: c.639C>T on transcript NM_006129.5 (MANE Select); coding-DNA position 639, C replaced by T.
Protein change: p.His213=; no amino-acid change (histidine 213 retained).
Molecular consequence: synonymous variant. On other transcripts: non-coding transcript variant (2).
Genome position (GRCh38, 1-based): chr8:22,177,048, C>T. VCF-style: chr8-22177048-C-T. GRCh37 (hg19) VCF-style: chr8-22034561-C-T.
Other names: c.639C>T (NM_006129.4); c.639C>T, p.His213= (NM_001199.4).
Identifiers: ClinVar variation 2902900 (VCV002902900.4), dbSNP rs201380519, ClinGen allele CA4664321.

ClinVar aggregate classification (germline): Likely benign. Review status: criteria provided, multiple submitters, no conflicts (2 of 4 stars). 2 submissions from 2 submitters: Likely benign (2). Last evaluated 2026-07-14.

Conditions:
BMP1-related disorder. Also called: BMP1-related condition.

Allele frequency attached by ClinVar (database versions not stated): gnomAD exomes below 0.00001; TOPMed below 0.00001; gnomAD 0.00002; ExAC 0.00004; 1000 Genomes Project 30x 0.00016; 1000 Genomes Project 0.00020.
gnomAD v4.1: 9 of 1,612,838 alleles (0.00056%); highest among the groups gnomAD compares: East Asian, 0.0045%; no homozygotes.

Submissions (2):

PreventionGenetics, part of Exact Sciences
Classification: Likely benign for BMP1-related condition. Last evaluated: 2026-07-14. Review status: criteria provided, single submitter. Criteria: ACMG Guidelines, 2015. Collection method: clinical testing. Allele origin: germline.
Comment: This variant is classified as likely benign based on ACMG/AMP sequence variant interpretation guidelines (Richards et al. 2015 PMID: 25741868, with internal and published modifications).

Labcorp Genetics (formerly Invitae), Labcorp
Classification: Likely benign. Last evaluated: 2025-11-30. Review status: criteria provided, single submitter. Criteria: Invitae Variant Classification Sherloc (09022015). Collection method: clinical testing. Allele origin: germline.